The following is an entry in ClinVar:

NM_145207.3(AFG2A):c.839G>C (p.Gly280Ala)

Gene: AFG2A (AFG2 AAA ATPase homolog A; plus strand). Cytogenetic location: 4q28.1.
Variant type: single nucleotide variant.
Coding change: c.839G>C on transcript NM_145207.3 (MANE Select); coding-DNA position 839, G replaced by C.
Protein change: p.Gly280Ala; replaces glycine 280 with alanine.
Molecular consequence: missense variant.
Genome position (GRCh38, 1-based): chr4:122,934,430, G>C. VCF-style: chr4-122934430-G-C. GRCh37 (hg19) VCF-style: chr4-123855585-G-C.
Other names: c.836G>C, p.Gly279Ala (NM_001317799.2, NM_001345856.2); short protein forms G279A, G280A.
Identifiers: ClinVar variation 1415713 (VCV001415713.5), dbSNP rs1217362917, ClinGen allele CA358102162.

ClinVar aggregate classification (germline): Uncertain significance (1 of 4 stars; one submission).

Conditions:
Microcephaly-intellectual disability-sensorineural hearing loss-epilepsy-abnormal muscle tone syndrome (NEDHSB). Also called: NEURODEVELOPMENTAL DISORDER WITH HEARING LOSS, SEIZURES, AND BRAIN ABNORMALITIES. Identifiers: Orphanet 457351, MedGen C4225276, MONDO:0014698, OMIM 616577.

Allele frequency attached by ClinVar (database versions not stated): gnomAD exomes 0.00001 and 0.00002.
gnomAD v4.1: 9 of 1,614,232 alleles (0.00056%); highest among the groups gnomAD compares: Non-Finnish European, 0.00076%; no homozygotes.

Submission:

Labcorp Genetics (formerly Invitae), Labcorp
Classification: Uncertain significance for Microcephaly-intellectual disability-sensorineural hearing loss-epilepsy-abnormal muscle tone syndrome. Last evaluated: 2021-08-28. Review status: criteria provided, single submitter. Criteria: Invitae Variant Classification Sherloc (09022015). Collection method: clinical testing. Allele origin: germline.
Comment: This sequence change replaces glycine with alanine at codon 280 of the SPATA5 protein (p.Gly280Ala). The glycine residue is highly conserved and there is a small physicochemical difference between glycine and alanine. This variant is not present in population databases (ExAC no frequency). This variant has not been reported in the literature in individuals affected with SPATA5-related conditions. Advanced modeling of protein sequence and biophysical properties (such as structural, functional, and spatial information, amino acid conservation, physicochemical variation, residue mobility, and thermodynamic stability) performed at Invitae indicates that this missense variant is not expected to disrupt SPATA5 protein function. In summary, the available evidence is currently insufficient to determine the role of this variant in disease. Therefore, it has been classified as a Variant of Uncertain Significance.